The following is an entry in ClinVar:

NM_001290060.2(SEMA3B):c.882G>A (p.Ser294=)

Gene: SEMA3B (semaphorin 3B; plus strand). Cytogenetic location: 3p21.31.
Variant type: single nucleotide variant.
Coding change: c.882G>A on transcript NM_001290060.2 (MANE Select); coding-DNA position 882, G replaced by A.
Protein change: p.Ser294=; no amino-acid change (serine 294 retained).
Molecular consequence: synonymous variant. On other transcripts: 5 prime UTR variant (2), non-coding transcript variant (1).
Genome position (GRCh38, 1-based): chr3:50,273,606, G>A. VCF-style: chr3-50273606-G-A. GRCh37 (hg19) VCF-style: chr3-50311037-G-A.
Other names: c.882G>A, p.Ser294= (NM_001005914.3, NM_001290061.1, NM_001435956.1 and 3 more transcripts); c.-145G>A (NM_001290062.2); c.-148G>A (NM_001290063.2).
Identifiers: ClinVar variation 4994388 (VCV004994388.1).

ClinVar aggregate classification (germline): Likely benign (1 of 4 stars; one submission).

Conditions:
SEMA3B-related disorder. Also called: SEMA3B-related condition.

gnomAD v4.1: 2 of 1,612,722 alleles (0.00012%); highest among the groups gnomAD compares: East Asian, 0.0022%; no homozygotes.

Submission:

PreventionGenetics, part of Exact Sciences
Classification: Likely benign for SEMA3B-related condition. Last evaluated: 2025-09-22. Review status: criteria provided, single submitter. Criteria: ACMG Guidelines, 2015. Collection method: clinical testing. Allele origin: germline.
Comment: This variant is classified as likely benign based on ACMG/AMP sequence variant interpretation guidelines (Richards et al. 2015 PMID: 25741868, with internal and published modifications).